The following is an entry in ClinVar:

NM_020937.4(FANCM):c.5221dup (p.Thr1741fs)

Gene: FANCM (FA complementation group M; plus strand). Cytogenetic location: 14q21.2.
Variant type: Duplication.
Coding change: c.5221dup on transcript NM_020937.4 (MANE Select); coding-DNA position 5221, one base duplicated (A; older notation c.5221dupA).
Protein change: p.Thr1741fs; shifts the reading frame from threonine 1741.
Molecular consequence: frameshift variant.
Genome position (GRCh38, 1-based): chr14:45,189,243, A duplicated. VCF-style (leftmost placement, unchanged base first): chr14-45189242-T-TA. GRCh37 (hg19) VCF-style: chr14-45658445-T-TA.
Other names: c.5221dupA (NM_020937.3); c.5143dup, p.Thr1715fs (NM_001308133.2); c.5221dup (NM_020937.2); short protein forms T1715fs, T1741fs.
Identifiers: ClinVar variation 1398324 (VCV001398324.8), dbSNP rs758498345, ClinGen allele CA7169932.

ClinVar aggregate classification (germline): Conflicting classifications of pathogenicity. Review status: criteria provided, conflicting classifications (1 of 4 stars). 4 submissions from 4 submitters: Pathogenic (1); Likely pathogenic (2); Uncertain significance (1). Last evaluated 2024-07-12.

Conditions:
Fanconi anemia (FA). Also called: Fanconi's anemia. Identifiers: Orphanet 84, MedGen C0015625, MeSH D005199, MONDO:0019391.
FANCM-related disorder. Also called: FANCM-related condition.

Allele frequency attached by ClinVar (database versions not stated): gnomAD exomes below 0.00001; ExAC 0.00001; gnomAD 0.00001; TOPMed 0.00001.

Submissions (4):

GeneDx
Classification: Likely pathogenic. Last evaluated: 2024-07-12. Review status: criteria provided, single submitter. Criteria: GeneDx Variant Classification Process June 2021. Collection method: clinical testing. Allele origin: germline. Affected: yes.
Comment: Frameshift variant predicted to result in protein truncation or nonsense mediated decay in a gene for which loss of function is a known mechanism of disease; Not observed at significant frequency in large population cohorts (gnomAD); Identified in a patient with renal cancer (PMID: 36451132); This variant is associated with the following publications: (PMID: 36451132)

PreventionGenetics, part of Exact Sciences
Classification: Likely pathogenic for FANCM-related condition. Last evaluated: 2023-01-04. Review status: criteria provided, single submitter. Criteria: ACMG Guidelines, 2015. Collection method: clinical testing. Allele origin: germline.
Comment: The FANCM c.5221dupA variant is predicted to result in a frameshift and premature protein termination (p.Thr1741Asnfs*14). To our knowledge, this variant has not been reported in the literature. This variant is reported in 0.0016% of alleles in individuals of European (Non-Finnish) descent in gnomAD. Frameshift variants in FANCM are expected to be pathogenic, and therefore we interpret c.5221dup (p.Thr1741Asnfs*14) as likely pathogenic.

Blueprint Genetics
Classification: Uncertain significance. Last evaluated: 2022-07-27. Review status: criteria provided, single submitter. Criteria: ACMG Guidelines, 2015. Collection method: clinical testing. Allele origin: germline.

Labcorp Genetics (formerly Invitae), Labcorp
Classification: Pathogenic for Fanconi anemia. Last evaluated: 2022-03-26. Review status: criteria provided, single submitter. Criteria: Invitae Variant Classification Sherloc (09022015). Collection method: clinical testing. Allele origin: germline.
Comment: This sequence change creates a premature translational stop signal (p.Thr1741Asnfs*14) in the FANCM gene. It is expected to result in an absent or disrupted protein product. Loss-of-function variants in FANCM are known to be pathogenic (PMID: 29895858, 30075111). The frequency data for this variant in the population databases is considered unreliable, as metrics indicate poor data quality at this position in the gnomAD database. This variant has not been reported in the literature in individuals affected with FANCM-related conditions. For these reasons, this variant has been classified as Pathogenic.

Literature cited by the submitters: PubMed 29895858 (cited by Labcorp Genetics (formerly Invitae), Labcorp); PubMed 30075111 (cited by Labcorp Genetics (formerly Invitae), Labcorp).